The following is an entry in ClinVar:

ClinVar aggregate classification (germline): Uncertain significance (1 of 4 stars; one submission).

Conditions:
Spermatogenic failure 18. Identifiers: MedGen C4539783, MONDO:0054615, OMIM 617576.
Ciliary dyskinesia, primary, 37 (CILD37). Also called: CILIARY DYSKINESIA, PRIMARY, 37, WITH OR WITHOUT SITUS INVERSUS. Identifiers: MedGen C4539798, MONDO:0033204, OMIM 617577.

Allele frequency attached by ClinVar (database versions not stated): gnomAD exomes 0.00004 and 0.00009; ExAC 0.00007; ESP Exome Variant Server 0.00008; 1000 Genomes Project 30x 0.00016; 1000 Genomes Project 0.00020; gnomAD 0.00035 and 0.00037; TOPMed 0.00046.
gnomAD v4.1: 110 of 1,613,964 alleles (0.0068%); highest among the groups gnomAD compares: African/African-American, 0.13%; 1 homozygote.

Submission:

Labcorp Genetics (formerly Invitae), Labcorp
Classification: Uncertain significance for Ciliary dyskinesia, primary, 37; Spermatogenic failure 18. Last evaluated: 2023-12-09. Review status: criteria provided, single submitter. Criteria: Invitae Variant Classification Sherloc (09022015). Collection method: clinical testing. Allele origin: germline.
Comment: This sequence change replaces glutamic acid, which is acidic and polar, with valine, which is neutral and non-polar, at codon 1726 of the DNAH1 protein (p.Glu1726Val). This variant is present in population databases (rs192723261, gnomAD 0.1%). This variant has not been reported in the literature in individuals affected with DNAH1-related conditions. ClinVar contains an entry for this variant (Variation ID: 478455). Advanced modeling of protein sequence and biophysical properties (such as structural, functional, and spatial information, amino acid conservation, physicochemical variation, residue mobility, and thermodynamic stability) performed at Invitae indicates that this missense variant is expected to disrupt DNAH1 protein function with a positive predictive value of 80%. In summary, the available evidence is currently insufficient to determine the role of this variant in disease. Therefore, it has been classified as a Variant of Uncertain Significance.

NM_015512.5(DNAH1):c.5177A>T (p.Glu1726Val)

Gene: DNAH1 (dynein axonemal heavy chain 1; plus strand). Cytogenetic location: 3p21.1.
Variant type: single nucleotide variant.
Coding change: c.5177A>T on transcript NM_015512.5 (MANE Select); coding-DNA position 5177, A replaced by T.
Protein change: p.Glu1726Val; replaces glutamic acid 1726 with valine.
Molecular consequence: missense variant.
Genome position (GRCh38, 1-based): chr3:52,363,077, A>T. VCF-style: chr3-52363077-A-T. GRCh37 (hg19) VCF-style: chr3-52397093-A-T.
Other names: short protein forms E1726V.
Identifiers: ClinVar variation 478455 (VCV000478455.6), dbSNP rs192723261, ClinGen allele CA2434120.